The following is an entry in ClinVar:

NM_002769.5(PRSS1):c.*12T>C

Genes: PRSS1 (serine protease 1; plus strand), TRB (T cell receptor beta locus; plus strand). Cytogenetic location: 7q34.
Variant type: single nucleotide variant.
Coding change: c.*12T>C on transcript NM_002769.5 (MANE Select); 12 bases downstream of the stop codon, T replaced by C.
Molecular consequence: 3 prime UTR variant.
Genome position (GRCh38, 1-based): chr7:142,753,032, T>C. VCF-style: chr7-142753032-T-C. GRCh37 (hg19) VCF-style: chr7-142460883-T-C.
Identifiers: ClinVar variation 496176 (VCV000496176.1), dbSNP rs749470007, ClinGen allele CA4530159.

ClinVar aggregate classification (germline): Uncertain significance (1 of 4 stars; one submission).

Allele frequency attached by ClinVar (database versions not stated): gnomAD 0.00001; ExAC 0.00001.

Submission:

Women's Health and Genetics/Laboratory Corporation of America, LabCorp
Classification: Uncertain significance. Last evaluated: 2016-09-12. Review status: criteria provided, single submitter. Criteria: LabCorp Variant Classification Summary - May 2015. Collection method: clinical testing. Allele origin: germline.
Comment: Variant summary: The PRSS1 c.*12 T>C variant involves the alteration of a non-conserved nucleotide located in the 3UTR of the gene. Mutation Taster predicts a benign outcome for this variant. This variant was found in 1/121332 control chromosomes at a frequency of 0.0000082, which is approximately 2 times the estimated maximal expected allele frequency of a pathogenic PRSS1 variant (0.000005), suggesting this variant may lie in the benign spectrum; however, only one occurrence in controls does not impart enough statistical significance to conclude that the variant is benign. The variant of interest has not, to our knowledge, been reported in affected individuals via publications and/or reputable databases/clinical diagnostic laboratories; nor evaluated for functional impact by in vivo/vitro studies. Because of the absence of clinical information and the lack of functional studies, the variant is classified as a variant of uncertain significance (VUS) until additional information becomes available.